The following is an entry in ClinVar:

ClinVar aggregate classification (germline): Uncertain significance (1 of 4 stars; one submission).

Conditions:
Hereditary cancer-predisposing syndrome. Also called: Neoplastic Syndromes, Hereditary; Tumor predisposition; Hereditary neoplastic syndrome; Hereditary Cancer Syndrome. Identifiers: Orphanet 140162, MedGen C0027672, MeSH D009386, MONDO:0015356.

Submission:

Ambry Genetics
Classification: Uncertain significance for Hereditary cancer-predisposing syndrome. Last evaluated: 2026-06-18. Review status: criteria provided, single submitter. Criteria: Ambry Variant Classification Scheme 2023. Collection method: clinical testing. Allele origin: germline.
Comment: The c.3980delA variant, located in coding exon 9 of the MSH6 gene, results from a deletion of one nucleotide at nucleotide position 3980, causing a translational frameshift with a predicted alternate stop codon (p.N1327Ifs*19). This alteration occurs at the 3' terminus of the gene, is not expected to trigger nonsense-mediated mRNA decay and impacts the last 34 amino acids of the protein. The exact functional effect of this alteration is unknown. Based on the available evidence, the clinical significance of this variant remains unclear.

NM_000179.3(MSH6):c.3980del (p.Asn1327fs)

Gene: MSH6 (mutS homolog 6; plus strand). Cytogenetic location: 2p16.3.
Variant type: Deletion.
Coding change: c.3980del on transcript NM_000179.3 (MANE Select); coding-DNA position 3980, one base deleted (A; older notation c.3980delA).
Protein change: p.Asn1327fs; shifts the reading frame from asparagine 1327.
Molecular consequence: frameshift variant. On other transcripts: non-coding transcript variant (5), intron variant (1), no sequence alteration (1).
Genome position (GRCh38, 1-based): chr2:47,806,630, A deleted; the last of 2 consecutive A bases (chr2:47,806,629-47,806,630); deleting either gives the same sequence. VCF-style (leftmost placement, unchanged base first): chr2-47806628-GA-G. GRCh37 (hg19) VCF-style: chr2-48033767-GA-G.
Other names: c.3074del, p.Asn1025fs (NM_001406829.1, NM_001281493.2, NM_001281494.2 and 6 more transcripts); c.3683del, p.Asn1228fs (NM_001406830.1, NM_001406797.1, NM_001406801.1 and 10 more transcripts); c.761del, p.Asn254fs (NM_001406831.1); c.827del, p.Asn276fs (NM_001406832.1); c.1925del, p.Asn642fs (NM_001407362.1); c.3898-149del (NM_001406802.1); c.3590del, p.Asn1197fs (NM_001281492.2); c.4076del, p.Asn1359fs (NM_001406795.1); and 9 more; short protein forms N1025fs, N1039fs, N1327fs, N254fs, N642fs, N1152fs, N1359fs, N276fs.
Identifiers: ClinVar variation 5024864 (VCV005024864.1).